The following is an entry in ClinVar:

ClinVar aggregate classification (germline): Uncertain significance. Review status: criteria provided, multiple submitters, no conflicts (2 of 4 stars). 3 submissions from 3 submitters: Uncertain significance (3). Last evaluated 2026-03-23.

Conditions:
BAP1-related tumor predisposition syndrome (TPDS1). Also called: Tumor susceptibility linked to germline BAP1 mutations; TUMOR PREDISPOSITION SYNDROME 1; COMMON Syndrome; BAP1 tumor predisposition syndrome. Identifiers: Orphanet 289539, MedGen C3280492, MONDO:0013692, OMIM 614327.
Hereditary cancer-predisposing syndrome. Also called: Tumor predisposition; Hereditary Cancer Syndrome; Hereditary neoplastic syndrome; Neoplastic Syndromes, Hereditary. Identifiers: Orphanet 140162, MedGen C0027672, MeSH D009386, MONDO:0015356.

Allele frequency attached by ClinVar (database versions not stated): ExAC 0.00002.
gnomAD v4.1: 3 of 1,614,194 alleles (0.00019%); highest among the groups gnomAD compares: Non-Finnish European, 0.00025%; no homozygotes.

Submissions (3):

Ambry Genetics
Classification: Uncertain significance for Hereditary cancer-predisposing syndrome. Last evaluated: 2026-03-23. Review status: criteria provided, single submitter. Criteria: Ambry Variant Classification Scheme 2023. Collection method: clinical testing. Allele origin: germline.
Comment: The p.P519A variant (also known as c.1555C>G), located in coding exon 13 of the BAP1 gene, results from a C to G substitution at nucleotide position 1555. The proline at codon 519 is replaced by alanine, an amino acid with highly similar properties. This amino acid position is highly conserved in available vertebrate species. In addition, the in silico prediction for this alteration is inconclusive. Based on the available evidence, the clinical significance of this variant remains unclear.

Labcorp Genetics (formerly Invitae), Labcorp
Classification: Uncertain significance for BAP1-related tumor predisposition syndrome. Last evaluated: 2025-12-30. Review status: criteria provided, single submitter. Criteria: Invitae Variant Classification Sherloc (09022015). Collection method: clinical testing. Allele origin: germline.
Comment: This sequence change replaces proline, which is neutral and non-polar, with alanine, which is neutral and non-polar, at codon 519 of the BAP1 protein (p.Pro519Ala). This variant is present in population databases (rs759622893, gnomAD 0.002%). This missense change has been observed in individual(s) with cutaneous melanoma (PMID: 25787093). ClinVar contains an entry for this variant (Variation ID: 2203396). Invitae Evidence Modeling of protein sequence and biophysical properties (such as structural, functional, and spatial information, amino acid conservation, physicochemical variation, residue mobility, and thermodynamic stability) indicates that this missense variant is not expected to disrupt BAP1 protein function with a negative predictive value of 80%. In summary, the available evidence is currently insufficient to determine the role of this variant in disease. Therefore, it has been classified as a Variant of Uncertain Significance.

Baylor Genetics
Classification: Uncertain significance for BAP1-related tumor predisposition syndrome. Last evaluated: 2023-09-20. Review status: criteria provided, single submitter. Criteria: ACMG Guidelines, 2015. Collection method: clinical testing. Allele origin: unknown.

Literature cited by the submitters: PubMed 25787093 (cited by Labcorp Genetics (formerly Invitae), Labcorp).

NM_004656.4(BAP1):c.1555C>G (p.Pro519Ala)

Gene: BAP1 (BRCA1 associated deubiquitinase 1; minus strand). Cytogenetic location: 3p21.1.
Variant type: single nucleotide variant.
Coding change: c.1555C>G on transcript NM_004656.4 (MANE Select); coding-DNA position 1555, C replaced by G.
Protein change: p.Pro519Ala; replaces proline 519 with alanine.
Molecular consequence: missense variant.
Genome position (GRCh38, 1-based): chr3:52,403,590, G>C on the plus strand (C>G on the coding strand, the complement: BAP1 is on the minus strand). VCF-style: chr3-52403590-G-C. GRCh37 (hg19) VCF-style: chr3-52437606-G-C.
Other names: c.1501C>G, p.Pro501Ala (NM_001410772.1); short protein forms P501A, P519A.
Identifiers: ClinVar variation 2203396 (VCV002203396.6), dbSNP rs759622893, ClinGen allele CA2436774.
Genomic context (GRCh38, chr3:52,403,590, plus strand): 5'-GCAGGCTGTCATCCTCTCCAAAAAGCACCTTGGAGATGTGGGAGGTGACAGGGCTGGAGG[G>C]CCGCGTCGGGTTGGCTGAGCGGATAGGCGAGCGCAGTGGCGAGTTGAAAGCACTGCCGAT-3'
Protein context (NP_004647.1, residues 509-529): SPIRSANPTR[Pro519Ala]SSPVTSHISK